The following is an entry in ClinVar:

ClinVar aggregate classification (germline): Uncertain significance. Review status: criteria provided, multiple submitters, no conflicts (2 of 4 stars). 2 submissions from 2 submitters: Uncertain significance (2). Last evaluated 2024-09-03.

Conditions:
Inborn genetic diseases. Identifiers: MedGen C0950123, MeSH D030342.

Allele frequency attached by ClinVar (database versions not stated): gnomAD exomes below 0.00001 and 0.00001; ExAC 0.00001; gnomAD 0.00001; TOPMed 0.00002.
gnomAD v4.1: 14 of 1,613,736 alleles (0.00087%); highest among the groups gnomAD compares: African/African-American, 0.008%; no homozygotes.

Submissions (2):

Ambry Genetics
Classification: Uncertain significance for Inborn genetic diseases. Last evaluated: 2024-09-03. Review status: criteria provided, single submitter. Criteria: Ambry Variant Classification Scheme 2023. Collection method: clinical testing. Allele origin: germline.

Labcorp Genetics (formerly Invitae), Labcorp
Classification: Uncertain significance. Last evaluated: 2022-03-09. Review status: criteria provided, single submitter. Criteria: Invitae Variant Classification Sherloc (09022015). Collection method: clinical testing. Allele origin: germline.
Comment: This sequence change replaces arginine, which is basic and polar, with cysteine, which is neutral and slightly polar, at codon 278 of the PCDH15 protein (p.Arg278Cys). This variant is present in population databases (rs767577700, gnomAD 0.004%). This variant has not been reported in the literature in individuals affected with PCDH15-related conditions. ClinVar contains an entry for this variant (Variation ID: 845478). Algorithms developed to predict the effect of missense changes on protein structure and function are either unavailable or do not agree on the potential impact of this missense change (SIFT: "Tolerated"; PolyPhen-2: "Probably Damaging"; Align-GVGD: "Class C0"). In summary, the available evidence is currently insufficient to determine the role of this variant in disease. Therefore, it has been classified as a Variant of Uncertain Significance.

NM_001384140.1(PCDH15):c.832C>T (p.Arg278Cys)

Gene: PCDH15 (protocadherin related 15; minus strand). Cytogenetic location: 10q21.1.
Variant type: single nucleotide variant.
Coding change: c.832C>T on transcript NM_001384140.1 (MANE Select); coding-DNA position 832, C replaced by T.
Protein change: p.Arg278Cys; replaces arginine 278 with cysteine.
Molecular consequence: missense variant.
Genome position (GRCh38, 1-based): chr10:54,317,315, G>A on the plus strand (C>T on the coding strand, the complement: PCDH15 is on the minus strand). VCF-style: chr10-54317315-G-A. GRCh37 (hg19) VCF-style: chr10-56077075-G-A.
Other names: c.847C>T, p.Arg283Cys (NM_001142763.2, NM_001142769.4, NM_001142771.2); c.832C>T, p.Arg278Cys (NM_001142764.2, NM_001142765.2, NM_001142766.2 and 7 more transcripts); c.721C>T, p.Arg241Cys (NM_001142767.2); c.766C>T, p.Arg256Cys (NM_001142768.2, NM_001142773.2, NM_001354404.2); short protein forms R278C, R283C, R241C, R256C.
Identifiers: ClinVar variation 845478 (VCV000845478.5), dbSNP rs767577700, ClinGen allele CA5506587.
Genomic context (GRCh38, chr10:54,317,315, plus strand): 5'-ATAAGAGTATATTTACCGGAGTTCTCAACTCAGGTATGGCAGCTTGATAAGTGAGTGGAC[G>A]GCAATCACGAGTGTTTGGCACAAGGACACAAGGAAGAAACATTGGACCCAAGTCATCTCC-3'
Protein context (NP_001371069.1, residues 268-288): CVLVPNTRDC[Arg278Cys]PLTYQAAIPE